The following is an entry in ClinVar:

NM_004793.4(LONP1):c.2743G>C (p.Glu915Gln)

Gene: LONP1 (lon peptidase 1, mitochondrial; minus strand). Cytogenetic location: 19p13.3.
Variant type: single nucleotide variant.
Coding change: c.2743G>C on transcript NM_004793.4 (MANE Select); coding-DNA position 2743, G replaced by C.
Protein change: p.Glu915Gln; replaces glutamic acid 915 with glutamine.
Molecular consequence: missense variant. On other transcripts: non-coding transcript variant (1).
Genome position (GRCh38, 1-based): chr19:5,692,169, C>G on the plus strand (G>C on the coding strand, the complement: LONP1 is on the minus strand). VCF-style: chr19-5692169-C-G. GRCh37 (hg19) VCF-style: chr19-5692180-C-G.
Other names: c.2551G>C, p.Glu851Gln (NM_001276479.2); c.2155G>C, p.Glu719Gln (NM_001276480.1); short protein forms E851Q, E915Q, E719Q.
Identifiers: ClinVar variation 2112346 (VCV002112346.4), dbSNP rs746404427, ClinGen allele CA403525215.

ClinVar aggregate classification (germline): Uncertain significance (1 of 4 stars; one submission).

Submission:

Labcorp Genetics (formerly Invitae), Labcorp
Classification: Uncertain significance. Last evaluated: 2022-10-13. Review status: criteria provided, single submitter. Criteria: Invitae Variant Classification Sherloc (09022015). Collection method: clinical testing. Allele origin: germline.
Comment: This variant has not been reported in the literature in individuals affected with LONP1-related conditions. Advanced modeling of protein sequence and biophysical properties (such as structural, functional, and spatial information, amino acid conservation, physicochemical variation, residue mobility, and thermodynamic stability) performed at Invitae indicates that this missense variant is not expected to disrupt LONP1 protein function. In summary, the available evidence is currently insufficient to determine the role of this variant in disease. Therefore, it has been classified as a Variant of Uncertain Significance. This variant is not present in population databases (gnomAD no frequency). This sequence change replaces glutamic acid, which is acidic and polar, with glutamine, which is neutral and polar, at codon 915 of the LONP1 protein (p.Glu915Gln).